The following is an entry in ClinVar:

ClinVar aggregate classification (germline): Uncertain significance. Review status: criteria provided, single submitter (1 of 4 stars). 2 submissions from 2 submitters: Uncertain significance (1). 1 of the submissions does not count toward it. Last evaluated 2022-06-13.

Conditions:
Early-infantile DEE. Also called: Early infantile epileptic encephalopathy with suppression bursts; Ohtahara syndrome; Early infantile epileptic encephalopathy. Identifiers: Orphanet 1934, MedGen C0393706, MONDO:0800491.

Allele frequency attached by ClinVar (database versions not stated): TOPMed below 0.00001; ExAC 0.00001; gnomAD 0.00001; gnomAD exomes 0.00002.
gnomAD v4.1: 25 of 1,614,078 alleles (0.0015%); highest among the groups gnomAD compares: Non-Finnish European, 0.0021%; no homozygotes.

Submissions (2):

Labcorp Genetics (formerly Invitae), Labcorp
Classification: Uncertain significance for Early-infantile DEE. Last evaluated: 2022-06-13. Review status: criteria provided, single submitter. Criteria: Invitae Variant Classification Sherloc (09022015). Collection method: clinical testing. Allele origin: germline.
Comment: In summary, the available evidence is currently insufficient to determine the role of this variant in disease. Therefore, it has been classified as a Variant of Uncertain Significance. Algorithms developed to predict the effect of missense changes on protein structure and function are either unavailable or do not agree on the potential impact of this missense change (SIFT: "Deleterious"; PolyPhen-2: "Benign"; Align-GVGD: "Class C0"). This variant is also known as c.6990G>C (p.Met2330Ile). This missense change has been observed in individual(s) with autosomal recessive hereditary spastic paraplegia (PMID: 31515523). This variant is present in population databases (rs754860866, gnomAD 0.002%). This sequence change replaces methionine, which is neutral and non-polar, with isoleucine, which is neutral and non-polar, at codon 2335 of the SPTAN1 protein (p.Met2335Ile).

OMIM
Classification: Uncertain significance for VARIANT OF UNKNOWN SIGNIFICANCE. Last evaluated: 2023-09-29. Review status: no assertion criteria provided. Collection method: literature only. Allele origin: germline. Not counted in ClinVar's aggregate classification.

Literature cited by the submitters: PubMed 31515523 (cited by Labcorp Genetics (formerly Invitae), Labcorp and OMIM).

NM_001130438.3(SPTAN1):c.7005G>C (p.Met2335Ile)

Gene: SPTAN1 (spectrin alpha, non-erythrocytic 1; plus strand). Cytogenetic location: 9q34.11.
Variant type: single nucleotide variant.
Coding change: c.7005G>C on transcript NM_001130438.3 (MANE Select); coding-DNA position 7005, G replaced by C.
Protein change: p.Met2335Ile; replaces methionine 2335 with isoleucine.
Molecular consequence: missense variant.
Genome position (GRCh38, 1-based): chr9:128,632,476, G>C. VCF-style: chr9-128632476-G-C. GRCh37 (hg19) VCF-style: chr9-131394755-G-C.
Other names: c.6930G>C, p.Met2310Ile (NM_001195532.2); c.7068G>C, p.Met2356Ile (NM_001363759.2); c.6945G>C, p.Met2315Ile (NM_001363765.2, NM_001375314.2); c.7092G>C, p.Met2364Ile (NM_001375310.1); c.7005G>C, p.Met2335Ile (NM_001375311.2); c.7041G>C, p.Met2347Ile (NM_001375312.2); c.6987G>C, p.Met2329Ile (NM_001375313.1); c.7104G>C, p.Met2368Ile (NM_001375318.1); and 1 more; short protein forms M2310I, M2315I, M2330I, M2364I, M2329I, M2335I, M2347I, M2368I.
Identifiers: ClinVar variation 2079191 (VCV002079191.5), dbSNP rs754860866, ClinGen allele CA5265955.